The following is an entry in ClinVar:

ClinVar aggregate classification (germline): Likely benign. Review status: criteria provided, multiple submitters, no conflicts (2 of 4 stars). 2 submissions from 2 submitters: Likely benign (2). Last evaluated 2025-12-01.

Allele frequency attached by ClinVar (database versions not stated): gnomAD exomes 0.00001; gnomAD 0.00003; TOPMed 0.00003.
gnomAD v4.1: 12 of 1,614,030 alleles (0.00074%); highest among the groups gnomAD compares: African/African-American, 0.0067%; no homozygotes.

Submissions (2):

CeGaT Center for Human Genetics Tuebingen
Classification: Likely benign. Last evaluated: 2025-12-01. Review status: criteria provided, single submitter. Criteria: CeGaT Center For Human Genetics Tuebingen Variant Classification Criteria Version 2. Collection method: clinical testing. Allele origin: germline. Affected: yes. Observed: 1 variant allele.
Comment: LIG1: BP4, BP7

Labcorp Genetics (formerly Invitae), Labcorp
Classification: Likely benign. Last evaluated: 2024-01-20. Review status: criteria provided, single submitter. Criteria: Invitae Variant Classification Sherloc (09022015). Collection method: clinical testing. Allele origin: germline.

NM_000234.3(LIG1):c.597C>T (p.Ser199=)

Gene: LIG1 (DNA ligase 1; minus strand). Cytogenetic location: 19q13.33.
Variant type: single nucleotide variant.
Coding change: c.597C>T on transcript NM_000234.3 (MANE Select); coding-DNA position 597, C replaced by T.
Protein change: p.Ser199=; no amino-acid change (serine 199 retained).
Molecular consequence: synonymous variant. On other transcripts: non-coding transcript variant (6).
Genome position (GRCh38, 1-based): chr19:48,150,188, G>A on the plus strand (C>T on the coding strand, the complement: LIG1 is on the minus strand). VCF-style: chr19-48150188-G-A. GRCh37 (hg19) VCF-style: chr19-48653445-G-A.
Other names: c.504C>T, p.Ser168= (NM_001289063.2); c.393C>T, p.Ser131= (NM_001289064.2); c.594C>T, p.Ser198= (NM_001320970.2); c.507C>T, p.Ser169= (NM_001320971.2).
Identifiers: ClinVar variation 2092852 (VCV002092852.9), dbSNP rs1011492150, ClinGen allele CA309309821.
Genomic context (GRCh38, chr19:48,150,188, plus strand): 5'-CTTGGTCTGCTCTTCCTCCTCCTGCAGTTCCTGCTTCGTGGCCACCTCAGGCTCTGAAAC[G>A]CTTTCCGTCGGGGTCTCTGCTTCTGCGGTGAGAGAGCTCAGACGGTGATGCAAACTCTTT-3'
Protein context (NP_000225.1, residues 189-209): KTSKAETPTE[Ser199=]VSEPEVATKQ